The following is an entry in ClinVar:

NM_005045.4(RELN):c.3378G>A (p.Trp1126Ter)

Gene: RELN (reelin; minus strand). Cytogenetic location: 7q22.1.
Variant type: single nucleotide variant.
Coding change: c.3378G>A on transcript NM_005045.4 (MANE Select); coding-DNA position 3378, G replaced by A.
Protein change: p.Trp1126Ter; replaces tryptophan 1126 with a stop codon.
Molecular consequence: nonsense.
Genome position (GRCh38, 1-based): chr7:103,596,617, C>T on the plus strand (G>A on the coding strand, the complement: RELN is on the minus strand). VCF-style: chr7-103596617-C-T. GRCh37 (hg19) VCF-style: chr7-103237064-C-T.
Other names: c.3378G>A, p.Trp1126Ter (NM_173054.3); short protein forms W1126*.
Identifiers: ClinVar variation 1377194 (VCV001377194.5), dbSNP rs2117255208, ClinGen allele CA368761147.
Genomic context (GRCh38, chr7:103,596,617, plus strand): 5'-AGGCTTGTTGCATGAAGCACTCTCTCCGCCTATCTGGATGTAGAACTGGACAAAGTCCAC[C>T]CAAGAAGTATCCAGGTCCCAACTCACCAGCTGTCTTTTCCCAGCCTTTCAGAAAAGAAGA-3'

ClinVar aggregate classification (germline): Pathogenic (1 of 4 stars; one submission).

Conditions:
Norman-Roberts syndrome (LIS2). Also called: Lissencephaly 2 (Norman-Roberts type). Identifiers: Orphanet 89844, MedGen C0796089, MONDO:0009760, OMIM 257320.
Familial temporal lobe epilepsy 7. Identifiers: Orphanet 101046, MedGen C4225327, MONDO:0014639, OMIM 616436.

Submission:

Labcorp Genetics (formerly Invitae), Labcorp
Classification: Pathogenic for Familial temporal lobe epilepsy 7; Norman-Roberts syndrome. Last evaluated: 2022-02-09. Review status: criteria provided, single submitter. Criteria: Invitae Variant Classification Sherloc (09022015). Collection method: clinical testing. Allele origin: germline.
Comment: For these reasons, this variant has been classified as Pathogenic. This variant has not been reported in the literature in individuals affected with RELN-related conditions. This variant is not present in population databases (gnomAD no frequency). This sequence change creates a premature translational stop signal (p.Trp1126*) in the RELN gene. It is expected to result in an absent or disrupted protein product. Loss-of-function variants in RELN are known to be pathogenic (PMID: 10973257, 26046367, 28454995).

Literature cited by the submitters: PubMed 10973257; PubMed 26046367; PubMed 28454995.